The following is an entry in ClinVar:

NM_001291415.2(KDM6A):c.1659G>T (p.Gln553His)

Gene: KDM6A (lysine demethylase 6A; plus strand). Cytogenetic location: Xp11.3.
Variant type: single nucleotide variant.
Coding change: c.1659G>T on transcript NM_001291415.2 (MANE Select); coding-DNA position 1659, G replaced by T.
Protein change: p.Gln553His; replaces glutamine 553 with histidine.
Molecular consequence: missense variant. On other transcripts: intron variant (6).
Genome position (GRCh38, 1-based): chrX:45,062,724, G>T. VCF-style: chrX-45062724-G-T. GRCh37 (hg19) VCF-style: chrX-44921969-G-T.
Other names: c.1503G>T (NM_021140.3); c.1524G>T, p.Gln508His (NM_001291416.2, NM_001419811.1); c.1368G>T, p.Gln456His (NM_001291417.2); c.615G>T, p.Gln205His (NM_001291421.2); c.1659G>T, p.Gln553His (NM_001419809.1); c.1503G>T, p.Gln501His (NM_001419812.1, NM_021140.4); c.1582-698G>T (NM_001419810.1, NM_001419813.1); c.1426-698G>T (NM_001419814.1, NM_001410742.1); and 1 more; short protein forms Q456H, Q501H, Q205H, Q553H, Q508H.
Identifiers: ClinVar variation 2998511 (VCV002998511.4), dbSNP rs750245702, ClinGen allele CA329045907.

ClinVar aggregate classification (germline): Uncertain significance. Review status: criteria provided, multiple submitters, no conflicts (2 of 4 stars). 2 submissions from 2 submitters: Uncertain significance (2). Last evaluated 2024-02-19.

Conditions:
Kabuki syndrome 2 (KABUK2). Also called: KDM6A-Related Kabuki Syndrome. Identifiers: Orphanet 2322, MedGen C3275495, MONDO:0010465, OMIM 300867.

Allele frequency attached by ClinVar (database versions not stated): gnomAD exomes below 0.00001; gnomAD 0.00002.
gnomAD v4.1: 5 of 1,195,331 alleles (0.00042%); highest among the groups gnomAD compares: African/African-American, 0.0035%; no homozygotes.

Submissions (2):

Fulgent Genetics
Classification: Uncertain significance for Kabuki syndrome 2. Last evaluated: 2024-02-19. Review status: criteria provided, single submitter. Criteria: ACMG Guidelines, 2015. Collection method: clinical testing. Allele origin: germline.

Labcorp Genetics (formerly Invitae), Labcorp
Classification: Uncertain significance for Kabuki syndrome 2. Last evaluated: 2023-11-08. Review status: criteria provided, single submitter. Criteria: Invitae Variant Classification Sherloc (09022015). Collection method: clinical testing. Allele origin: germline.
Comment: This sequence change replaces glutamine, which is neutral and polar, with histidine, which is basic and polar, at codon 501 of the KDM6A protein (p.Gln501His). This variant is present in population databases (rs750245702, gnomAD 0.03%). This variant has not been reported in the literature in individuals affected with KDM6A-related conditions. Advanced modeling of protein sequence and biophysical properties (such as structural, functional, and spatial information, amino acid conservation, physicochemical variation, residue mobility, and thermodynamic stability) performed at Invitae indicates that this missense variant is not expected to disrupt KDM6A protein function with a negative predictive value of 80%. In summary, the available evidence is currently insufficient to determine the role of this variant in disease. Therefore, it has been classified as a Variant of Uncertain Significance.